The following is an entry in ClinVar:

ClinVar aggregate classification (germline): Uncertain significance. Review status: criteria provided, multiple submitters, no conflicts (2 of 4 stars). 2 submissions from 2 submitters: Uncertain significance (2). Last evaluated 2025-08-08.

Conditions:
ADCY3-related disorder. Also called: ADCY3-related condition.
Inborn genetic diseases. Identifiers: MedGen C0950123, MeSH D030342.

gnomAD v4.1: 1 of 1,613,786 alleles (0.000062%); highest among the groups gnomAD compares: Non-Finnish European, 0.000085%; no homozygotes.

Submissions (2):

Ambry Genetics
Classification: Uncertain significance for Inborn genetic diseases. Last evaluated: 2025-08-08. Review status: criteria provided, single submitter. Criteria: Ambry Variant Classification Scheme 2023. Collection method: clinical testing. Allele origin: germline.

PreventionGenetics, part of Exact Sciences
Classification: Uncertain significance for ADCY3-related condition. Last evaluated: 2025-07-24. Review status: criteria provided, single submitter. Criteria: ACMG Guidelines, 2015. Collection method: clinical testing. Allele origin: germline.
Comment: The ADCY3 c.1240G>A variant is predicted to result in the amino acid substitution p.Gly414Arg. To our knowledge, this variant has not been reported in the literature or in a large population database (gnomAD), indicating this variant is rare. At this time, the clinical significance of this variant is uncertain due to the absence of conclusive functional and genetic evidence.

NM_004036.5(ADCY3):c.1240G>A (p.Gly414Arg)

Gene: ADCY3 (adenylate cyclase 3; minus strand). Cytogenetic location: 2p23.3.
Variant type: single nucleotide variant.
Coding change: c.1240G>A on transcript NM_004036.5 (MANE Select); coding-DNA position 1240, G replaced by A.
Protein change: p.Gly414Arg; replaces glycine 414 with arginine.
Molecular consequence: missense variant.
Genome position (GRCh38, 1-based): chr2:24,839,988, C>T on the plus strand (G>A on the coding strand, the complement: ADCY3 is on the minus strand). VCF-style: chr2-24839988-C-T. GRCh37 (hg19) VCF-style: chr2-25062857-C-T.
Other names: c.1240G>A (NM_001320613.1); c.1240G>A, p.Gly414Arg (NM_001320613.2, NM_001377128.1, NM_001377129.1 and 2 more transcripts); c.517G>A, p.Gly173Arg (NM_001377131.1); short protein forms G414R, G173R.
Identifiers: ClinVar variation 4235313 (VCV004235313.2).